The following is an entry in ClinVar:

ClinVar aggregate classification (germline): Benign. Review status: criteria provided, multiple submitters, no conflicts (2 of 4 stars). 8 submissions from 8 submitters: Benign (6). 2 of the submissions do not count toward it. Last evaluated 2026-02-04.

Conditions:
Autosomal recessive nonsyndromic hearing loss 77. Identifiers: Orphanet 90636, MedGen C2746083, MONDO:0013119, OMIM 613079.

Submissions (8):

Labcorp Genetics (formerly Invitae), Labcorp
Classification: Benign. Last evaluated: 2026-02-04. Review status: criteria provided, single submitter. Criteria: Invitae Variant Classification Sherloc (09022015). Collection method: clinical testing. Allele origin: germline.

Athena Diagnostics
Classification: Benign. Last evaluated: 2018-09-12. Review status: criteria provided, single submitter. Criteria: Athena Diagnostics Criteria. Collection method: clinical testing. Allele origin: germline.

Eurofins Ntd Llc (ga)
Classification: Benign. Last evaluated: 2018-08-07. Review status: criteria provided, single submitter. Criteria: EGL ClinVar v180209 classification definitions. Collection method: clinical testing. Allele origin: germline. Observed: 1 variant allele, 1 heterozygote.

GeneDx
Classification: Benign. Last evaluated: 2017-09-22. Review status: criteria provided, single submitter. Criteria: GeneDx Variant Classification (06012015). Collection method: clinical testing. Allele origin: germline. Affected: yes.
Comment: This variant is considered likely benign or benign based on one or more of the following criteria: it is a conservative change, it occurs at a poorly conserved position in the protein, it is predicted to be benign by multiple in silico algorithms, and/or has population frequency not consistent with disease.

Laboratory for Molecular Medicine, Mass General Brigham Personalized Medicine
Classification: Benign. Last evaluated: 2015-04-24. Review status: criteria provided, single submitter. Criteria: LMM Criteria. Collection method: clinical testing. Allele origin: germline. Observed: 37 variant alleles.
Comment: p.Lys942del in exon 19 of LOXHD1: This variant is not expected to have clinical significance because it has been identified in 4.1% (327/7914) of South Asian ch romosomes, including 15 homozygotes, by the Exome Aggregation Consortium (ExAC; dbSNP rs142960762).

PreventionGenetics, part of Exact Sciences
Classification: Benign. Review status: criteria provided, single submitter. Criteria: ACMG Guidelines, 2015. Collection method: clinical testing. Allele origin: germline.

Natera, Inc.
Classification: Benign for Autosomal recessive deafness type 77. Last evaluated: 2020-09-16. Review status: no assertion criteria provided. Collection method: clinical testing. Allele origin: germline. Not counted in ClinVar's aggregate classification.

Counsyl
Classification: Likely benign for Autosomal recessive nonsyndromic hearing loss 77. Last evaluated: 2017-03-06. Review status: no assertion criteria provided. Collection method: clinical testing. Allele origin: unknown. Not counted in ClinVar's aggregate classification.

Literature cited by the submitters: PubMed 26969326 (cited by Athena Diagnostics); PubMed 29676012 (cited by Athena Diagnostics); PubMed 27068579 (cited by Athena Diagnostics).

NM_001384474.1(LOXHD1):c.2816AGA[3] (p.Lys942del)

Gene: LOXHD1 (lipoxygenase homology PLAT domains 1; minus strand). Cytogenetic location: 18q21.1.
Variant type: Microsatellite.
Coding change: c.2816AGA[3] on transcript NM_001384474.1 (MANE Select); three copies in a row of the 3-base unit AGA starting at c.2816; the reference has four copies in a row; one copy, 3 bases deleted.
Protein change: p.Lys942del; deletes lysine 942.
Molecular consequence: inframe deletion.
Genome position (GRCh38, 1-based): chr18:46,560,317-46,560,319, TCT deleted on the plus strand (AGA on the coding strand, the reverse complement: LOXHD1 is on the minus strand); deleting any 3 consecutive bases within chr18:46,560,317-46,560,330 gives the same sequence; the position shown is the placement nearest the transcript's 3' end. VCF-style (leftmost placement, unchanged base first): chr18-46560316-CTCT-C. GRCh37 (hg19) VCF-style: chr18-44140279-CTCT-C.
Other names: c.2816AGA[3], p.Lys942del (NM_144612.7); c.2825_2827delAGA (NM_144612.6); short protein forms K942del.
Identifiers: ClinVar variation 226714 (VCV000226714.21), dbSNP rs142960762, ClinGen allele CA8952615.